The following is an entry in ClinVar:

ClinVar aggregate classification (germline): Uncertain significance (1 of 4 stars; one submission).

Conditions:
Dilated cardiomyopathy 1O (CMD1O). Also called: CARDIOMYOPATHY, DILATED, WITH VENTRICULAR TACHYCARDIA. Identifiers: Orphanet 154, MedGen C1837839, MONDO:0012062, OMIM 608569.

Allele frequency attached by ClinVar (database versions not stated): gnomAD exomes below 0.00001; ExAC 0.00001; gnomAD 0.00001; TOPMed 0.00001.
gnomAD v4.1: 7 of 1,613,348 alleles (0.00043%); highest among the groups gnomAD compares: Middle Eastern, 0.016%; no homozygotes.

Submission:

Labcorp Genetics (formerly Invitae), Labcorp
Classification: Uncertain significance for Dilated cardiomyopathy 1O. Last evaluated: 2025-10-10. Review status: criteria provided, single submitter. Criteria: Invitae Variant Classification Sherloc (09022015). Collection method: clinical testing. Allele origin: germline.
Comment: This sequence change falls in intron 37 of the ABCC9 gene. It does not directly change the encoded amino acid sequence of the ABCC9 protein. It affects a nucleotide within the consensus splice site. The frequency data for this variant in the population databases is considered unreliable, as metrics indicate poor data quality at this position in the gnomAD database. This variant has not been reported in the literature in individuals affected with ABCC9-related conditions. ClinVar contains an entry for this variant (Variation ID: 2193071). Variants that disrupt the consensus splice site are a relatively common cause of aberrant splicing (PMID: 17576681, 9536098). Algorithms developed to predict the effect of sequence changes on RNA splicing suggest that this variant is not likely to affect RNA splicing. In summary, the available evidence is currently insufficient to determine the role of this variant in disease. Therefore, it has been classified as a Variant of Uncertain Significance.

Literature cited by the submitters: PubMed 17576681; PubMed 9536098.

NM_020297.4(ABCC9):c.4512+684C>T

Genes: ABCC9 (ATP binding cassette subfamily C member 9; minus strand), KCNJ8-AS1 (KCNJ8 antisense RNA 1; plus strand). Cytogenetic location: 12p12.1.
Variant type: single nucleotide variant.
Coding change: c.4512+684C>T on transcript NM_020297.4 (MANE Select); 684 bases into the intron after coding-DNA position 4512, C replaced by T.
Molecular consequence: intron variant.
Genome position (GRCh38, 1-based): chr12:21,805,314, G>A on the plus strand (C>T on the coding strand, the complement: ABCC9 is on the minus strand). VCF-style: chr12-21805314-G-A. GRCh37 (hg19) VCF-style: chr12-21958248-G-A.
Other names: c.3645+684C>T (NM_001377274.1); c.4513-3C>T (NM_005691.4); c.4512+684C>T (NM_001377273.1).
Identifiers: ClinVar variation 2193071 (VCV002193071.4), dbSNP rs770708201, ClinGen allele CA6480822.
Genomic context (GRCh38, chr12:21,805,314, plus strand): 5'-AAATACCCTCAGAAAAGACTAAAACAAGGCCTGCATCCATAATAGAAGAGACACGGTGCT[G>A]GAGAGAAAAATAGAAAAGAAGAGAATCAGCAGAAGGAAAAATGTCCAAGTGACTCATTAA-3'